The following is an entry in ClinVar:

ClinVar aggregate classification (germline): Uncertain significance. Review status: criteria provided, multiple submitters, no conflicts (2 of 4 stars). 2 submissions from 2 submitters: Uncertain significance (2). Last evaluated 2022-04-12.

Conditions:
Inborn genetic diseases. Identifiers: MedGen C0950123, MeSH D030342.

Allele frequency attached by ClinVar (database versions not stated): gnomAD exomes 0.00002; ExAC 0.00004; TOPMed 0.00006; gnomAD 0.00007; ESP Exome Variant Server 0.00017.
gnomAD v4.1: 46 of 1,613,558 alleles (0.0029%); highest among the groups gnomAD compares: Non-Finnish European, 0.0036%; no homozygotes.

Submissions (2):

Ambry Genetics
Classification: Uncertain significance for Inborn genetic diseases. Last evaluated: 2022-04-12. Review status: criteria provided, single submitter. Criteria: Ambry Variant Classification Scheme 2023. Collection method: clinical testing. Allele origin: germline.

Labcorp Genetics (formerly Invitae), Labcorp
Classification: Uncertain significance. Last evaluated: 2022-03-26. Review status: criteria provided, single submitter. Criteria: Invitae Variant Classification Sherloc (09022015). Collection method: clinical testing. Allele origin: germline.
Comment: This sequence change replaces serine, which is neutral and polar, with leucine, which is neutral and non-polar, at codon 468 of the MYO5B protein (p.Ser468Leu). This variant is present in population databases (rs368289471, gnomAD 0.006%). This variant has not been reported in the literature in individuals affected with MYO5B-related conditions. Algorithms developed to predict the effect of missense changes on protein structure and function output the following: SIFT: "Deleterious"; PolyPhen-2: "Benign"; Align-GVGD: "Class C0". The leucine amino acid residue is found in multiple mammalian species, which suggests that this missense change does not adversely affect protein function. In summary, the available evidence is currently insufficient to determine the role of this variant in disease. Therefore, it has been classified as a Variant of Uncertain Significance.

NM_001080467.3(MYO5B):c.1403C>T (p.Ser468Leu)

Gene: MYO5B (myosin VB; minus strand). Cytogenetic location: 18q21.1.
Variant type: single nucleotide variant.
Coding change: c.1403C>T on transcript NM_001080467.3 (MANE Select); coding-DNA position 1403, C replaced by T.
Protein change: p.Ser468Leu; replaces serine 468 with leucine.
Molecular consequence: missense variant.
Genome position (GRCh38, 1-based): chr18:49,962,950, G>A on the plus strand (C>T on the coding strand, the complement: MYO5B is on the minus strand). VCF-style: chr18-49962950-G-A. GRCh37 (hg19) VCF-style: chr18-47489320-G-A.
Other names: c.1403C>T (NM_001080467.2); short protein forms S468L.
Identifiers: ClinVar variation 2179073 (VCV002179073.2), dbSNP rs368289471, ClinGen allele CA8961552.